The following is an entry in ClinVar:

ClinVar aggregate classification (germline): Pathogenic. Review status: criteria provided, multiple submitters, no conflicts (2 of 4 stars). 6 submissions from 6 submitters: Pathogenic (5). 1 of the submissions does not count toward it. Last evaluated 2025-11-17.

Conditions:
Hereditary cancer-predisposing syndrome. Also called: Hereditary Cancer Syndrome; Hereditary neoplastic syndrome; Neoplastic Syndromes, Hereditary; Tumor predisposition. Identifiers: Orphanet 140162, MedGen C0027672, MeSH D009386, MONDO:0015356.
Familial multiple polyposis syndrome (FAP). Also called: Familial intestinal polyposis; Classic familial adenomatous polyposis; Familial adenomatous polyposis; Familial Adenomatous Polyposis (FAP); Familial polyposis. Identifiers: Orphanet 733, MedGen C0032580, MONDO:0021055. Disease mechanism: loss of function.
Familial adenomatous polyposis 1 (FAP1). Also called: FAMILIAL ADENOMATOUS POLYPOSIS 1, ATTENUATED; POLYPOSIS, ADENOMATOUS INTESTINAL. Identifiers: MedGen C2713442, MONDO:0021056, OMIM 175100. Disease mechanism: loss of function.

Submissions (6):

Labcorp Genetics (formerly Invitae), Labcorp
Classification: Pathogenic for Familial adenomatous polyposis 1. Last evaluated: 2025-11-17. Review status: criteria provided, single submitter. Criteria: Invitae Variant Classification Sherloc (09022015). Collection method: clinical testing. Allele origin: germline.
Comment: This sequence change creates a premature translational stop signal (p.Tyr96*) in the APC gene. RNA analysis indicates that this premature translational stop signal induces altered splicing and may result in an absent or altered protein product. This variant is not present in population databases (gnomAD no frequency). This premature translational stop signal has been observed in individual(s) with familial adenomatous polyposis (PMID: 20685668). ClinVar contains an entry for this variant (Variation ID: 217957). Studies have shown that this premature translational stop signal results in activation of a cryptic splice site, and produces a non-functional protein and/or introduces a premature termination codon (internal data). For these reasons, this variant has been classified as Pathogenic.

Quest Diagnostics Nichols Institute San Juan Capistrano
Classification: Pathogenic. Last evaluated: 2025-05-16. Review status: criteria provided, single submitter. Criteria: Quest Diagnostics criteria. Collection method: clinical testing. Allele origin: unknown.
Comment: The APC c.288T>G (p.Tyr96*) variant causes the premature termination of APC protein synthesis. This variant has been reported in the published literature in an individual with familial adenomatous polyposis (FAP) (PMID: 20685668 (2010)). This variant has not been reported in large, multi-ethnic general populations (Genome Aggregation Database). Based on the available information, this variant is classified as pathogenic.

Women's Health and Genetics/Laboratory Corporation of America, LabCorp
Classification: Pathogenic for Familial multiple polyposis syndrome. Last evaluated: 2023-09-25. Review status: criteria provided, single submitter. Criteria: LabCorp Variant Classification Summary - May 2015. Collection method: clinical testing. Allele origin: germline.
Comment: Variant summary: APC c.288T>G (p.Tyr96X) results in a premature termination codon, predicted to cause a truncation of the encoded protein or absence of the protein due to nonsense mediated decay, which are commonly known mechanisms for disease. The variant was absent in 251468 control chromosomes. c.288T>G has been reported in the literature in individuals affected with Familial Adenomatous Polyposis (Legarde_2010). These data do not allow any conclusion about variant significance. To our knowledge, no experimental evidence demonstrating an impact on protein function has been reported. The following publication have been ascertained in the context of this evaluation (PMID: 20685668). Two submitters have cited clinical-significance assessments for this variant to ClinVar after 2014. All submitters classified the variant as pathogenic. Based on the evidence outlined above, the variant was classified as pathogenic.

Myriad Genetics, Inc.
Classification: Pathogenic for Familial adenomatous polyposis 1. Last evaluated: 2023-04-25. Review status: criteria provided, single submitter. Criteria: Myriad Autosomal Dominant, Autosomal Recessive and X-Linked Classification Criteria (2023). Collection method: clinical testing. Allele origin: unknown.
Comment: This variant is considered pathogenic. This variant creates a termination codon and is predicted to result in premature protein truncation.

Ambry Genetics
Classification: Pathogenic for Hereditary cancer-predisposing syndrome. Last evaluated: 2022-12-29. Review status: criteria provided, single submitter. Criteria: Ambry Variant Classification Scheme 2023. Collection method: clinical testing. Allele origin: germline.
Comment: The p.Y96* pathogenic mutation (also known as c.288T>G), located in coding exon 3 of the APC gene, results from a T to G substitution at nucleotide position 288. This changes the amino acid from a tyrosine to a stop codon within coding exon 3. In addition to the clinical data presented in the literature, this alteration is expected to result in loss of function by premature protein truncation or nonsense-mediated mRNA decay. As such, this alteration is interpreted as a disease-causing mutation.

Mayo Clinic Laboratories, Mayo Clinic
Classification: Pathogenic. Review status: no assertion criteria provided. Collection method: research. Allele origin: unknown. Observed: 1 variant allele. Not counted in ClinVar's aggregate classification.

Literature cited by the submitters: PubMed 20685668 (cited by 4 submitters); PubMed 24549056 (cited by Quest Diagnostics Nichols Institute San Juan Capistrano); PubMed 34897210 (cited by Quest Diagnostics Nichols Institute San Juan Capistrano); PubMed 26681312 (cited by Quest Diagnostics Nichols Institute San Juan Capistrano).

NM_000038.6(APC):c.288T>G (p.Tyr96Ter)

Gene: APC (APC regulator of Wnt signaling pathway; plus strand). Cytogenetic location: 5q22.2.
Variant type: single nucleotide variant.
Coding change: c.288T>G on transcript NM_000038.6 (MANE Select); coding-DNA position 288, T replaced by G.
Protein change: p.Tyr96Ter; replaces tyrosine 96 with a stop codon.
Molecular consequence: nonsense. On other transcripts: 5 prime UTR variant (1).
Genome position (GRCh38, 1-based): chr5:112,767,256, T>G. VCF-style: chr5-112767256-T-G. GRCh37 (hg19) VCF-style: chr5-112102953-T-G.
Other names: c.288T>G, p.Tyr96Ter (NM_001127510.3, NM_001354895.2, NM_001354896.2 and 2 more transcripts); c.318T>G, p.Tyr106Ter (NM_001127511.3, NM_001354897.2, NM_001354902.2); c.213T>G, p.Tyr71Ter (NM_001354898.2, NM_001354904.2); c.111T>G, p.Tyr37Ter (NM_001354900.2, NM_001354901.2, NM_001354905.2); c.-748T>G (NM_001354906.2); short protein forms Y106*, Y96*, Y37*, Y71*.
Identifiers: ClinVar variation 217957 (VCV000217957.21), dbSNP rs376213437, ClinGen allele CA248534.